The following is an entry in ClinVar:

NM_017547.4(FOXRED1):c.1418G>A (p.Arg473His)

Gene: FOXRED1 (FAD dependent oxidoreductase domain containing 1; plus strand). Cytogenetic location: 11q24.2.
Variant type: single nucleotide variant.
Coding change: c.1418G>A on transcript NM_017547.4 (MANE Select); coding-DNA position 1418, G replaced by A.
Protein change: p.Arg473His; replaces arginine 473 with histidine.
Molecular consequence: missense variant. On other transcripts: non-coding transcript variant (2).
Genome position (GRCh38, 1-based): chr11:126,277,646, G>A. VCF-style: chr11-126277646-G-A. GRCh37 (hg19) VCF-style: chr11-126147541-G-A.
Other names: short protein forms R473H.
Identifiers: ClinVar variation 1806034 (VCV001806034.2), dbSNP rs199933792, ClinGen allele CA6354461.
Genomic context (GRCh38, chr11:126,277,646, plus strand): 5'-CAGAGATGGTACTGAAGGGCAGGTTCCAGACCATCGACCTGAGCCCCTTCCTCTTTACCC[G>A]CTTTTACTTGGGAGAGAAGATCCAGGAGAACAACATCATCTGAGCATGTGTGCTCTGCAC-3'
Protein context (NP_060017.1, residues 463-483): TIDLSPFLFT[Arg473His]FYLGEKIQEN

ClinVar aggregate classification (germline): Uncertain significance. Review status: criteria provided, multiple submitters, no conflicts (2 of 4 stars). 2 submissions from 2 submitters: Uncertain significance (2). Last evaluated 2024-05-06.

Conditions:
Inborn genetic diseases. Identifiers: MedGen C0950123, MeSH D030342.
Mitochondrial complex I deficiency, nuclear type 19. Also called: Mitochondrial complex 1 deficiency, nuclear type 19. Identifiers: MedGen C4748791, MONDO:0032624, OMIM 618241.

Allele frequency attached by ClinVar (database versions not stated): ESP Exome Variant Server 0.00008; gnomAD exomes 0.00008; ExAC 0.00002; TOPMed 0.00002; gnomAD 0.00004.

Submissions (2):

Ambry Genetics
Classification: Uncertain significance for Inborn genetic diseases. Last evaluated: 2024-05-06. Review status: criteria provided, single submitter. Criteria: Ambry Variant Classification Scheme 2023. Collection method: clinical testing. Allele origin: germline.

Victorian Clinical Genetics Services, Murdoch Childrens Research Institute
Classification: Uncertain significance for Mitochondrial complex I deficiency, nuclear type 19. Last evaluated: 2020-05-21. Review status: criteria provided, single submitter. Criteria: ACMG Guidelines, 2015. Collection method: clinical testing. Allele origin: germline. Inheritance: Autosomal recessive inheritance.
Comment: A heterozygous missense variant was identified, NM_017547.3(FOXRED1):c.1418G>A in exon 11 of 11 of the FOXRED1 gene. This substitution is predicted to create a minor amino acid change from an arginine to a histidine at position 473 of the protein; NP_060017.1(FOXRED1):p.(Arg473His). The arginine at this position has high conservation (100 vertebrates, UCSC), but is not situated in a known functional domain (NCBI, PDB, UniProt). In silico software predicts this variant to be damaging (Polyphen, SIFT, CADD, Mutation Taster). The variant is present in the gnomAD population database at a global population frequency of 0.0025% (7 heterozygotes, 0 homozygotes), with a European sub-population frequency of 0.005%. This variant has not previously been reported in clinical cases. Based on information available at the time of curation, this variant has been classified as a VUS.